The following is an entry in ClinVar:

ClinVar aggregate classification (germline): Uncertain significance (1 of 4 stars; one submission).

Conditions:
Alstrom syndrome (ALMS). Identifiers: Orphanet 64, MedGen C0268425, MONDO:0008763, OMIM 203800.

Submission:

Labcorp Genetics (formerly Invitae), Labcorp
Classification: Uncertain significance for Alstrom syndrome. Last evaluated: 2022-03-08. Review status: criteria provided, single submitter. Criteria: Invitae Variant Classification Sherloc (09022015). Collection method: clinical testing. Allele origin: germline.
Comment: This sequence change replaces histidine, which is basic and polar, with tyrosine, which is neutral and polar, at codon 2583 of the ALMS1 protein (p.His2583Tyr). This variant is not present in population databases (gnomAD no frequency). Experimental studies and prediction algorithms are not available or were not evaluated, and the functional significance of this variant is currently unknown. In summary, the available evidence is currently insufficient to determine the role of this variant in disease. Therefore, it has been classified as a Variant of Uncertain Significance. This variant has not been reported in the literature in individuals affected with ALMS1-related conditions.

NM_001378454.1(ALMS1):c.7744C>T (p.His2582Tyr)

Gene: ALMS1 (ALMS1 centrosome and basal body associated protein; plus strand). Cytogenetic location: 2p13.1.
Variant type: single nucleotide variant.
Coding change: c.7744C>T on transcript NM_001378454.1 (MANE Select); coding-DNA position 7744, C replaced by T.
Protein change: p.His2582Tyr; replaces histidine 2582 with tyrosine.
Molecular consequence: missense variant.
Genome position (GRCh38, 1-based): chr2:73,489,703, C>T. VCF-style: chr2-73489703-C-T. GRCh37 (hg19) VCF-style: chr2-73716830-C-T.
Other names: c.7747C>T, p.His2583Tyr (NM_015120.4); short protein forms H2583Y, H2582Y.
Identifiers: ClinVar variation 1468431 (VCV001468431.6), dbSNP rs2103889340, ClinGen allele CA347263978.
Genomic context (GRCh38, chr2:73,489,703, plus strand): 5'-AGTCCACGGGGAATGGGATGCAAGCCAGAAGCTGTATGTAGTCACATTATTATTGAGAGC[C>T]ATGAAAAGGGATGTTTCCGGACTCTAACTTCTGAACATCCACAACTAGATAGACACCCTT-3'
Protein context (NP_001365383.1, residues 2572-2592): AVCSHIIIES[His2582Tyr]EKGCFRTLTS